The following is an entry in ClinVar:

NM_000368.5(TSC1):c.2249G>A (p.Trp750Ter)

Gene: TSC1 (TSC complex subunit 1; minus strand). Cytogenetic location: 9q34.13.
Variant type: single nucleotide variant.
Coding change: c.2249G>A on transcript NM_000368.5 (MANE Select); coding-DNA position 2249, G replaced by A.
Protein change: p.Trp750Ter; replaces tryptophan 750 with a stop codon.
Molecular consequence: nonsense.
Genome position (GRCh38, 1-based): chr9:132,902,747, C>T on the plus strand (G>A on the coding strand, the complement: TSC1 is on the minus strand). VCF-style: chr9-132902747-C-T. GRCh37 (hg19) VCF-style: chr9-135778134-C-T.
Other names: c.2246G>A, p.Trp749Ter (NM_001162426.2); c.2096G>A, p.Trp699Ter (NM_001162427.2); c.1886G>A, p.Trp629Ter (NM_001362177.2); short protein forms W750*, W699*, W629*, W749*.
Identifiers: ClinVar variation 48922 (VCV000048922.4), dbSNP rs118203662, ClinGen allele CA006178.

ClinVar aggregate classification (germline): Pathogenic. Review status: criteria provided, multiple submitters, no conflicts (2 of 4 stars). 3 submissions from 3 submitters: Pathogenic (2). 1 of the submissions does not count toward it. Last evaluated 2024-01-26.

Conditions:
Tuberous sclerosis syndrome (TSC). Also called: Tuberous Sclerosis Complex; Tuberous sclerosis. Identifiers: Orphanet 805, MedGen C0041341, MONDO:0001734.

Submissions (3):

Quest Diagnostics Nichols Institute San Juan Capistrano
Classification: Pathogenic. Last evaluated: 2024-01-26. Review status: criteria provided, single submitter. Criteria: Quest Diagnostics criteria. Collection method: clinical testing. Allele origin: unknown.
Comment: The TSC1 c.2249G>A (p.Trp750*) variant causes the premature termination of TSC1 protein synthesis. This variant has been reported in the published literature as a de novo occurrence with confirmed parental relationships in one individual (PMID: 10205261 (1999)), and as a de novo occurrence with unconfirmed parental relationships in another individual (PMID: 29196670 (2017)). This variant has not been reported in large, multi-ethnic general populations (Genome Aggregation Database). Based on the available information, this variant is classified as pathogenic.

Athena Diagnostics
Classification: Pathogenic. Last evaluated: 2019-02-04. Review status: criteria provided, single submitter. Criteria: Athena Diagnostics Criteria. Collection method: clinical testing. Allele origin: germline.
Comment: The variant creates a premature nonsense codon, and is therefore predicted to result in the loss of a functional protein. Found in at least one symptomatic patient, and not found in general population data.

Tuberous sclerosis database (TSC1)
No classification provided. Condition: TSC. Review status: no classification provided. Criteria: Tuberous Sclerosis Database Assertion Criteria 2015. Collection method: curation. Allele origin: germline. Affected: yes. Not counted in ClinVar's aggregate classification.

Literature cited by the submitters: PubMed 29196670 (cited by Quest Diagnostics Nichols Institute San Juan Capistrano and Athena Diagnostics); PubMed 17304050 (cited by Quest Diagnostics Nichols Institute San Juan Capistrano and Athena Diagnostics); PubMed 30581017 (cited by Quest Diagnostics Nichols Institute San Juan Capistrano and Athena Diagnostics); PubMed 10205261 (cited by Quest Diagnostics Nichols Institute San Juan Capistrano and Athena Diagnostics); PubMed 28291513 (cited by Quest Diagnostics Nichols Institute San Juan Capistrano and Athena Diagnostics).